The following is an entry in ClinVar:

NM_001371986.1(UNC80):c.2388A>G (p.Ile796Met)

Gene: UNC80 (unc-80 subunit of NALCN channel complex; plus strand). Cytogenetic location: 2q34.
Variant type: single nucleotide variant.
Coding change: c.2388A>G on transcript NM_001371986.1 (MANE Select); coding-DNA position 2388, A replaced by G.
Protein change: p.Ile796Met; replaces isoleucine 796 with methionine.
Molecular consequence: missense variant.
Genome position (GRCh38, 1-based): chr2:209,825,963, A>G. VCF-style: chr2-209825963-A-G. GRCh37 (hg19) VCF-style: chr2-210690687-A-G.
Other names: c.2388A>G, p.Ile796Met (NM_032504.2, NM_182587.4); short protein forms I796M.
Identifiers: ClinVar variation 1476129 (VCV001476129.8), dbSNP rs893918787, ClinGen allele CA350137293.
Genomic context (GRCh38, chr2:209,825,963, plus strand): 5'-CCAGGATGAAAGTACACCTGTAAGCAACCATAGGCTTGCTCTAACAATGCTCATCAAAAT[A>G]GTGAAGTCTTTGGGATGTGCCTATGGTTGTGGTGAAGGACACCGAGGGCTCTCTGGAGAT-3'
Protein context (NP_001358915.1, residues 786-806): HRLALTMLIK[Ile796Met]VKSLGCAYGC

ClinVar aggregate classification (germline): Uncertain significance (1 of 4 stars; one submission).

Allele frequency attached by ClinVar (database versions not stated): gnomAD 0.00001.
gnomAD v4.1: 36 of 1,550,900 alleles (0.0023%); highest among the groups gnomAD compares: Non-Finnish European, 0.0031%; no homozygotes.

Submission:

Labcorp Genetics (formerly Invitae), Labcorp
Classification: Uncertain significance. Last evaluated: 2022-07-05. Review status: criteria provided, single submitter. Criteria: Invitae Variant Classification Sherloc (09022015). Collection method: clinical testing. Allele origin: germline.
Comment: In summary, the available evidence is currently insufficient to determine the role of this variant in disease. Therefore, it has been classified as a Variant of Uncertain Significance. Algorithms developed to predict the effect of sequence changes on RNA splicing suggest that this variant may create or strengthen a splice site. Algorithms developed to predict the effect of missense changes on protein structure and function are either unavailable or do not agree on the potential impact of this missense change (SIFT: "Not Available"; PolyPhen-2: "Possibly Damaging"; Align-GVGD: "Not Available"). ClinVar contains an entry for this variant (Variation ID: 1476129). This variant has not been reported in the literature in individuals affected with UNC80-related conditions. This variant is present in population databases (no rsID available, gnomAD 0.007%). This sequence change replaces isoleucine, which is neutral and non-polar, with methionine, which is neutral and non-polar, at codon 796 of the UNC80 protein (p.Ile796Met).